The following is an entry in ClinVar:

ClinVar aggregate classification (germline): Uncertain significance. Review status: criteria provided, multiple submitters, no conflicts (2 of 4 stars). 2 submissions from 2 submitters: Uncertain significance (2). Last evaluated 2025-11-02.

Conditions:
Hereditary cancer-predisposing syndrome. Also called: Hereditary neoplastic syndrome; Neoplastic Syndromes, Hereditary; Hereditary Cancer Syndrome; Tumor predisposition. Identifiers: Orphanet 140162, MedGen C0027672, MeSH D009386, MONDO:0015356.
Familial cancer of breast. Also called: BREAST CANCER, FAMILIAL; Hereditary breast cancer; hereditary breast carcinoma. Identifiers: Orphanet 227535, MedGen C0346153, MONDO:0016419, OMIM 114480. Disease mechanism: loss of function.

Allele frequency attached by ClinVar (database versions not stated): gnomAD exomes below 0.00001.
gnomAD v4.1: 5 of 1,613,762 alleles (0.00031%); highest among the groups gnomAD compares: Non-Finnish European, 0.00034%; no homozygotes.

Submissions (2):

Labcorp Genetics (formerly Invitae), Labcorp
Classification: Uncertain significance for Familial cancer of breast. Last evaluated: 2025-11-02. Review status: criteria provided, single submitter. Criteria: Invitae Variant Classification Sherloc (09022015). Collection method: clinical testing. Allele origin: germline.
Comment: This sequence change replaces lysine, which is basic and polar, with glutamic acid, which is acidic and polar, at codon 637 of the BARD1 protein (p.Lys637Glu). This variant is not present in population databases (gnomAD no frequency). This variant has not been reported in the literature in individuals affected with BARD1-related conditions. ClinVar contains an entry for this variant (Variation ID: 530208). An algorithm developed to predict the effect of missense changes on protein structure and function (PolyPhen-2) suggests that this variant is likely to be tolerated. In summary, the available evidence is currently insufficient to determine the role of this variant in disease. Therefore, it has been classified as a Variant of Uncertain Significance.

Ambry Genetics
Classification: Uncertain significance for Hereditary cancer-predisposing syndrome. Last evaluated: 2024-05-26. Review status: criteria provided, single submitter. Criteria: Ambry Variant Classification Scheme 2023. Collection method: clinical testing. Allele origin: germline.
Comment: The p.K637E variant (also known as c.1909A>G), located in coding exon 10 of the BARD1 gene, results from an A to G substitution at nucleotide position 1909. The lysine at codon 637 is replaced by glutamic acid, an amino acid with similar properties. This amino acid position is well conserved in available vertebrate species. In addition, the in silico prediction for this alteration is inconclusive. Since supporting evidence is limited at this time, the clinical significance of this alteration remains unclear.

NM_000465.4(BARD1):c.1909A>G (p.Lys637Glu)

Gene: BARD1 (BRCA1 associated RING domain 1; minus strand). Cytogenetic location: 2q35.
Variant type: single nucleotide variant.
Coding change: c.1909A>G on transcript NM_000465.4 (MANE Select); coding-DNA position 1909, A replaced by G.
Protein change: p.Lys637Glu; replaces lysine 637 with glutamic acid.
Molecular consequence: missense variant. On other transcripts: non-coding transcript variant (3).
Genome position (GRCh38, 1-based): chr2:214,730,503, T>C on the plus strand (A>G on the coding strand, the complement: BARD1 is on the minus strand). VCF-style: chr2-214730503-T-C. GRCh37 (hg19) VCF-style: chr2-215595227-T-C.
Other names: c.1852A>G, p.Lys618Glu (NM_001282543.2); c.556A>G, p.Lys186Glu (NM_001282545.2); c.499A>G, p.Lys167Glu (NM_001282548.2); c.370A>G, p.Lys124Glu (NM_001282549.2); short protein forms K637E, K124E, K186E, K618E, K167E.
Identifiers: ClinVar variation 530208 (VCV000530208.11), dbSNP rs1553612540, ClinGen allele CA350451332.